The following is an entry in ClinVar:

NM_001267550.2(TTN):c.44913G>T (p.Lys14971Asn)

Gene: TTN (titin; minus strand). Cytogenetic location: 2q31.2.
Variant type: single nucleotide variant.
Coding change: c.44913G>T on transcript NM_001267550.2 (MANE Select); coding-DNA position 44913, G replaced by T.
Protein change: p.Lys14971Asn; replaces lysine 14971 with asparagine.
Molecular consequence: missense variant.
Genome position (GRCh38, 1-based): chr2:178,622,670, C>A on the plus strand (G>T on the coding strand, the complement: TTN is on the minus strand). VCF-style: chr2-178622670-C-A. GRCh37 (hg19) VCF-style: chr2-179487397-C-A.
Other names: c.18294G>T, p.Lys6098Asn (NM_133437.4); c.39990G>T, p.Lys13330Asn (NM_001256850.1); c.17718G>T, p.Lys5906Asn (NM_003319.4); c.37209G>T, p.Lys12403Asn (NM_133378.4); c.18093G>T, p.Lys6031Asn (NM_133432.3); short protein forms K12403N, K13330N, K14971N, K5906N, K6031N, K6098N.
Identifiers: ClinVar variation 4820490 (VCV004820490.1).

ClinVar aggregate classification (germline): Likely pathogenic (1 of 4 stars; one submission).

Conditions:
Cardiovascular phenotype. Identifiers: MedGen CN230736.

Submission:

Molecular Diagnostic Laboratory for Inherited Cardiovascular Disease, Montreal Heart Institute
Classification: Likely pathogenic for Cardiovascular phenotype. Last evaluated: 2026-01-20. Review status: criteria provided, single submitter. Criteria: ACMG Guidelines, 2015. Collection method: clinical testing. Allele origin: germline. Affected: yes.
Comment: PVS1, PM2